The following is an entry in ClinVar:

NM_000660.7(TGFB1):c.926A>G (p.Lys309Arg)

Gene: TGFB1 (transforming growth factor beta 1; minus strand). Cytogenetic location: 19q13.2.
Variant type: single nucleotide variant.
Coding change: c.926A>G on transcript NM_000660.7 (MANE Select); coding-DNA position 926, A replaced by G.
Protein change: p.Lys309Arg; replaces lysine 309 with arginine.
Molecular consequence: missense variant.
Genome position (GRCh38, 1-based): chr19:41,332,216, T>C on the plus strand (A>G on the coding strand, the complement: TGFB1 is on the minus strand). VCF-style: chr19-41332216-T-C. GRCh37 (hg19) VCF-style: chr19-41838121-T-C.
Other names: short protein forms K309R.
Identifiers: ClinVar variation 2015218 (VCV002015218.4), dbSNP rs369182751, ClinGen allele CA308562868.

ClinVar aggregate classification (germline): Uncertain significance (1 of 4 stars; one submission).

Allele frequency attached by ClinVar (database versions not stated): TOPMed below 0.00001; gnomAD 0.00001; ESP Exome Variant Server 0.00008.
gnomAD v4.1: 1 of 1,613,996 alleles (0.000062%); highest among the groups gnomAD compares: African/African-American, 0.0013%; no homozygotes.

Submission:

Labcorp Genetics (formerly Invitae), Labcorp
Classification: Uncertain significance. Last evaluated: 2022-07-29. Review status: criteria provided, single submitter. Criteria: Invitae Variant Classification Sherloc (09022015). Collection method: clinical testing. Allele origin: germline.
Comment: This sequence change replaces lysine, which is basic and polar, with arginine, which is basic and polar, at codon 309 of the TGFB1 protein (p.Lys309Arg). This variant is not present in population databases (gnomAD no frequency). This variant has not been reported in the literature in individuals affected with TGFB1-related conditions. Algorithms developed to predict the effect of missense changes on protein structure and function are either unavailable or do not agree on the potential impact of this missense change (SIFT: "Tolerated"; PolyPhen-2: "Probably Damaging"; Align-GVGD: "Class C0"). In summary, the available evidence is currently insufficient to determine the role of this variant in disease. Therefore, it has been classified as a Variant of Uncertain Significance.